The following is an entry in ClinVar:

NM_001943.5(DSG2):c.3266G>T (p.Gly1089Val)

Genes: DSG2 (desmoglein 2; plus strand), DSG2-AS1 (DSG2 antisense RNA 1; minus strand). Cytogenetic location: 18q12.1.
Variant type: single nucleotide variant.
Coding change: c.3266G>T on transcript NM_001943.5 (MANE Select); coding-DNA position 3266, G replaced by T.
Protein change: p.Gly1089Val; replaces glycine 1089 with valine.
Molecular consequence: missense variant.
Genome position (GRCh38, 1-based): chr18:31,546,652, G>T. VCF-style: chr18-31546652-G-T. GRCh37 (hg19) VCF-style: chr18-29126615-G-T.
Other names: c.3266G>T (LRG_397t1); short protein forms G1089V.
Identifiers: ClinVar variation 191632 (VCV000191632.22), dbSNP rs200264407, ClinGen allele CA022040.

ClinVar aggregate classification (germline): Conflicting classifications of pathogenicity. Review status: criteria provided, conflicting classifications (1 of 4 stars). 10 submissions from 10 submitters: Uncertain significance (8); Likely benign (2). Last evaluated 2026-03-14.

Conditions:
Dilated cardiomyopathy 1BB (CMD1BB). Also called: CARDIOMYOPATHY, DILATED, 1BB, SUSCEPTIBILITY TO. Identifiers: Orphanet 154, MedGen C2752072, MONDO:0013030, OMIM 612877.
Arrhythmogenic right ventricular dysplasia 10. Also called: ARRHYTHMOGENIC RIGHT VENTRICULAR DYSPLASIA, FAMILIAL, 10; Arrhythmogenic Right Ventricular Dysplasia/Cardiomyopathy10; Arrhythmogenic right ventricular dysplasia/cardiomyopathy, type 10. Identifiers: MedGen C1857777, MONDO:0012434, OMIM 610193.
Arrhythmogenic right ventricular cardiomyopathy (ARVD). Also called: Arrhythmogenic right ventricular dysplasia; Arrhythmogenic Right Ventricular Cardiomyopathy (ARVC); Arrhythmogenic cardiomyopathy; Cardiomyopathy, ARVC. Identifiers: Orphanet 247, MedGen C0349788, MeSH D019571, MONDO:0016587. Disease mechanism: loss of function. Inheritance: Various modes of inheritance.
Cardiomyopathy (CMYO). Also called: Cardiomyopathies. Identifiers: Orphanet 167848, MedGen C0878544, MONDO:0004994, HP:0001638. Inheritance: Various modes of inheritance.

Allele frequency attached by ClinVar (database versions not stated): TOPMed 0.00005.
gnomAD v4.1: 31 of 1,614,020 alleles (0.0019%); highest among the groups gnomAD compares: Non-Finnish European, 0.0025%; no homozygotes.

Submissions (10):

Dasa
Classification: Uncertain significance. Last evaluated: 2026-03-14. Review status: criteria provided, single submitter. Criteria: DASA Assertion Criteria. Collection method: clinical testing. Allele origin: germline.
Comment: NM_001943.5(DSG2):c.3266G>T (p.Gly1089Val) is a missense variant that results in the substitution of glycine with valine. This variant is rare in population databases. Computational prediction algorithms are consistent with a benign effect. The currently available literature and clinical evidence are not sufficient to establish a definitive association between this variant and the reported condition. Therefore, this variant is classified as a variant of uncertain significance.

Labcorp Genetics (formerly Invitae), Labcorp
Classification: Uncertain significance for Arrhythmogenic right ventricular dysplasia 10. Last evaluated: 2025-12-08. Review status: criteria provided, single submitter. Criteria: Invitae Variant Classification Sherloc (09022015). Collection method: clinical testing. Allele origin: germline.
Comment: This sequence change replaces glycine, which is neutral and non-polar, with valine, which is neutral and non-polar, at codon 1089 of the DSG2 protein (p.Gly1089Val). This variant is present in population databases (rs200264407, gnomAD 0.004%). This variant has not been reported in the literature in individuals affected with DSG2-related conditions. ClinVar contains an entry for this variant (Variation ID: 191632). Invitae Evidence Modeling of protein sequence and biophysical properties (such as structural, functional, and spatial information, amino acid conservation, physicochemical variation, residue mobility, and thermodynamic stability) has been performed for this missense variant. However, the output from this modeling did not meet the statistical confidence thresholds required to predict the impact of this variant on DSG2 protein function. In summary, the available evidence is currently insufficient to determine the role of this variant in disease. Therefore, it has been classified as a Variant of Uncertain Significance.

Color Diagnostics, LLC DBA Color Health
Classification: Likely benign for Cardiomyopathy. Last evaluated: 2025-11-10. Review status: criteria provided, single submitter. Criteria: ACMG Guidelines, 2015. Collection method: clinical testing. Allele origin: germline.

Women's Health and Genetics/Laboratory Corporation of America, LabCorp
Classification: Uncertain significance. Last evaluated: 2025-10-20. Review status: criteria provided, single submitter. Criteria: LabCorp Variant Classification Summary - May 2015. Collection method: clinical testing. Allele origin: germline.
Comment: Variant summary: DSG2 c.3266G>T (p.Gly1089Val) results in a non-conservative amino acid change in the encoded protein sequence. Algorithms developed to predict the effect of missense changes on protein structure and function are either unavailable or do not agree on the potential impact of this missense change. The variant allele was found at a frequency of 2e-05 in 249268 control chromosomes (gnomAD). The available data on variant occurrences in the general population are insufficient to allow any conclusion about variant significance. To our knowledge, no occurrence of c.3266G>T in individuals affected with DSG2-related conditions and no experimental evidence demonstrating its impact on protein function have been reported. ClinVar contains an entry for this variant (Variation ID: 191632). Based on the evidence outlined above, the variant was classified as uncertain significance.

Blueprint Genetics
Classification: Likely benign. Last evaluated: 2024-11-08. Review status: criteria provided, single submitter. Criteria: ACMG Guidelines, 2015. Collection method: clinical testing. Allele origin: germline.

All of Us Research Program, National Institutes of Health
Classification: Uncertain significance for Arrhythmogenic right ventricular cardiomyopathy. Last evaluated: 2024-07-20. Review status: criteria provided, single submitter. Criteria: ACMG Guidelines, 2015. Collection method: clinical testing. Allele origin: germline. Inheritance: Autosomal dominant inheritance. Observed: 8 variant alleles, 8 heterozygotes.
Comment: This missense variant replaces glycine with valine at codon 1089 of the DSG2 protein. Computational prediction suggests that this variant may not impact protein structure and function (internally defined REVEL score threshold <= 0.5, PMID: 27666373). To our knowledge, functional studies have not been reported for this variant. This variant has not been reported in individuals affected with cardiovascular disorders in the literature. This variant has been identified in 5/249268 chromosomes in the general population by the Genome Aggregation Database (gnomAD). The available evidence is insufficient to determine the role of this variant in disease conclusively. Therefore, this variant is classified as a Variant of Uncertain Significance.

This study involves interpretation of variants in research participants for the purpose of population health screening. Participant phenotype was not available at the time of variant classification. Additional details can be found in publication PMID: 35346344, PMCID: PMC8962531

Fulgent Genetics
Classification: Uncertain significance for Arrhythmogenic right ventricular dysplasia 10; Dilated cardiomyopathy 1BB. Last evaluated: 2021-08-24. Review status: criteria provided, single submitter. Criteria: ACMG Guidelines, 2015. Collection method: clinical testing. Allele origin: unknown.

GeneDx
Classification: Uncertain significance. Last evaluated: 2021-03-08. Review status: criteria provided, single submitter. Criteria: GeneDx Variant Classification Process June 2021. Collection method: clinical testing. Allele origin: germline. Affected: yes.
Comment: Not observed at a significant frequency in large population cohorts (Lek et al., 2016); Reported in ClinVar but additional evidence is not available (ClinVar Variant ID #191632; Landrum et al., 2016); In silico analysis supports that this missense variant does not alter protein structure/function; This variant is associated with the following publications: (PMID: 23861362)

CHEO Genetics Diagnostic Laboratory, Children's Hospital of Eastern Ontario
Classification: Uncertain significance for Cardiomyopathy. Last evaluated: 2017-11-07. Review status: criteria provided, single submitter. Criteria: ACMG Guidelines, 2015. Collection method: clinical testing. Allele origin: germline.

Biesecker Lab/Clinical Genomics Section, National Institutes of Health
Classification: Uncertain significance. Last evaluated: 2013-06-24. Review status: criteria provided, single submitter. Criteria: Ng et al. (Circ Cardiovasc Genet. 2013). Collection method: research. Allele origin: unknown. Observed: 1 variant allele. Study: ClinSeq.
Comment: The study set was not selected for affection status in relation to any cancer. Pathogenicity categories were based on literature curation. See Pubmed ID:23861362 for details.

Medical sequencing